The following is an entry in ClinVar:

ClinVar aggregate classification (germline): Uncertain significance (1 of 4 stars; one submission).

Conditions:
Inflammatory skin and bowel disease, neonatal, 1. Identifiers: Orphanet 294023, MedGen C3280501, MONDO:0013693, OMIM 614328.

Submission:

Labcorp Genetics (formerly Invitae), Labcorp
Classification: Uncertain significance for Inflammatory skin and bowel disease, neonatal, 1. Last evaluated: 2024-06-10. Review status: criteria provided, single submitter. Criteria: Invitae Variant Classification Sherloc (09022015). Collection method: clinical testing. Allele origin: germline.
Comment: This sequence change falls in intron 7 of the ADAM17 gene. It does not directly change the encoded amino acid sequence of the ADAM17 protein. It affects a nucleotide within the consensus splice site. This variant is not present in population databases (gnomAD no frequency). This variant has not been reported in the literature in individuals affected with ADAM17-related conditions. Variants that disrupt the consensus splice site are a relatively common cause of aberrant splicing (PMID: 17576681, 9536098). Algorithms developed to predict the effect of sequence changes on RNA splicing suggest that this variant is not likely to affect RNA splicing. In summary, the available evidence is currently insufficient to determine the role of this variant in disease. Therefore, it has been classified as a Variant of Uncertain Significance.

Literature cited by the submitters: PubMed 17576681; PubMed 9536098.

NM_003183.6(ADAM17):c.843+4T>C

Gene: ADAM17 (ADAM metallopeptidase domain 17; minus strand). Cytogenetic location: 2p25.1.
Variant type: single nucleotide variant.
Coding change: c.843+4T>C on transcript NM_003183.6 (MANE Select); 4 bases into the intron after coding-DNA position 843, T replaced by C.
Molecular consequence: intron variant.
Genome position (GRCh38, 1-based): chr2:9,523,245, A>G on the plus strand (T>C on the coding strand, the complement: ADAM17 is on the minus strand). VCF-style: chr2-9523245-A-G. GRCh37 (hg19) VCF-style: chr2-9663374-A-G.
Other names: c.183+4T>C (NM_001382777.1); c.-60+4T>C (NM_001382778.1).
Identifiers: ClinVar variation 3644955 (VCV003644955.2).
Genomic context (GRCh38, chr2:9,523,245, plus strand): 5'-TACAAGTGACAAATATTTACATTACAAAACTTAAGTAATATAAGCCATATCTATTGATAA[A>G]TACCTGCTCTATCTGTATTCCATAGCCTTTAAAACCTGCATTATCCCATGAAGTGTTCCG-3'